The following is an entry in ClinVar:

ClinVar aggregate classification (germline): Uncertain significance. Review status: criteria provided, multiple submitters, no conflicts (2 of 4 stars). 2 submissions from 2 submitters: Uncertain significance (2). Last evaluated 2024-08-06.

Conditions:
RASopathy. Also called: Noonan spectrum disorder; rasopathies. Identifiers: Orphanet 536391, MedGen C5555857, MONDO:0021060.
Noonan syndrome and Noonan-related syndrome. Identifiers: Orphanet 98733, MedGen C5681679, MONDO:0020297.

Allele frequency attached by ClinVar (database versions not stated): ExAC 0.00001; gnomAD exomes 0.00001; TOPMed 0.00001; gnomAD 0.00002.
gnomAD v4.1: 14 of 1,613,338 alleles (0.00087%); highest among the groups gnomAD compares: South Asian, 0.0088%; no homozygotes.

Submissions (2):

Labcorp Genetics (formerly Invitae), Labcorp
Classification: Uncertain significance for RASopathy. Last evaluated: 2024-08-06. Review status: criteria provided, single submitter. Criteria: Invitae Variant Classification Sherloc (09022015). Collection method: clinical testing. Allele origin: germline.
Comment: This sequence change replaces valine, which is neutral and non-polar, with isoleucine, which is neutral and non-polar, at codon 425 of the SHOC2 protein (p.Val425Ile). This variant is present in population databases (rs772835258, gnomAD 0.006%). This variant has not been reported in the literature in individuals affected with SHOC2-related conditions. ClinVar contains an entry for this variant (Variation ID: 1334282). Advanced modeling of protein sequence and biophysical properties (such as structural, functional, and spatial information, amino acid conservation, physicochemical variation, residue mobility, and thermodynamic stability) performed at Invitae indicates that this missense variant is not expected to disrupt SHOC2 protein function with a negative predictive value of 80%. In summary, the available evidence is currently insufficient to determine the role of this variant in disease. Therefore, it has been classified as a Variant of Uncertain Significance.

Genome Diagnostics Laboratory, The Hospital for Sick Children
Classification: Uncertain significance for Noonan syndrome and Noonan-related syndrome. Last evaluated: 2019-04-01. Review status: criteria provided, single submitter. Criteria: ACMG Guidelines, 2015. Collection method: clinical testing. Allele origin: germline.

NM_007373.4(SHOC2):c.1273G>A (p.Val425Ile)

Gene: SHOC2 (SHOC2 leucine rich repeat scaffold protein; plus strand). Cytogenetic location: 10q25.2.
Variant type: single nucleotide variant.
Coding change: c.1273G>A on transcript NM_007373.4 (MANE Select); coding-DNA position 1273, G replaced by A.
Protein change: p.Val425Ile; replaces valine 425 with isoleucine.
Molecular consequence: missense variant. On other transcripts: non-coding transcript variant (1).
Genome position (GRCh38, 1-based): chr10:111,007,642, G>A. VCF-style: chr10-111007642-G-A. GRCh37 (hg19) VCF-style: chr10-112767400-G-A.
Other names: c.1135G>A, p.Val379Ile (NM_001269039.3); c.1273G>A, p.Val425Ile (NM_001324336.2, NM_001324337.2); short protein forms V379I, V425I.
Identifiers: ClinVar variation 1334282 (VCV001334282.6), dbSNP rs772835258, ClinGen allele CA5689735.